The following is an entry in ClinVar:

ClinVar aggregate classification (germline): Uncertain significance (1 of 4 stars; one submission).

Conditions:
AGAP2-related disorder. Also called: AGAP2-related condition.

Submission:

PreventionGenetics, part of Exact Sciences
Classification: Uncertain significance for AGAP2-related condition. Last evaluated: 2023-07-27. Review status: criteria provided, single submitter. Criteria: ACMG Guidelines, 2015. Collection method: clinical testing. Allele origin: germline.
Comment: The AGAP2 c.1384G>C variant is predicted to result in the amino acid substitution p.Gly462Arg. To our knowledge, this variant has not been reported in the literature or in a large population database, indicating this variant is rare. At this time, the clinical significance of this variant is uncertain due to the absence of conclusive functional and genetic evidence.

NM_001122772.3(AGAP2):c.1384G>C (p.Gly462Arg)

Genes: AGAP2 (ArfGAP with GTPase domain, ankyrin repeat and PH domain 2; minus strand), LOC126861542 (CDK7 strongly-dependent group 2 enhancer GRCh37_chr12:58127413-58128612; plus strand). Cytogenetic location: 12q14.1.
Variant type: single nucleotide variant.
Coding change: c.1384G>C on transcript NM_001122772.3 (MANE Select); coding-DNA position 1384, G replaced by C.
Protein change: p.Gly462Arg; replaces glycine 462 with arginine.
Molecular consequence: missense variant.
Genome position (GRCh38, 1-based): chr12:57,734,336, C>G on the plus strand (G>C on the coding strand, the complement: AGAP2 is on the minus strand). VCF-style: chr12-57734336-C-G. GRCh37 (hg19) VCF-style: chr12-58128119-C-G.
Other names: c.376G>C, p.Gly126Arg (NM_014770.4); short protein forms G126R, G462R.
Identifiers: ClinVar variation 2631452 (VCV002631452.1), dbSNP rs368433604, ClinGen allele CA385527707.